The following is an entry in ClinVar:

ClinVar aggregate classification (germline): Likely benign (1 of 4 stars; one submission).

Allele frequency attached by ClinVar (database versions not stated): gnomAD exomes 0.00001 and 0.00003; gnomAD 0.00003; ExAC 0.00004; TOPMed 0.00004.

Submission:

GeneDx
Classification: Likely benign. Last evaluated: 2017-05-09. Review status: criteria provided, single submitter. Criteria: GeneDx Variant Classification (06012015). Collection method: clinical testing. Allele origin: germline. Affected: yes.
Comment: This variant is considered likely benign or benign based on one or more of the following criteria: it is a conservative change, it occurs at a poorly conserved position in the protein, it is predicted to be benign by multiple in silico algorithms, and/or has population frequency not consistent with disease.

NM_177550.4(SLC13A5):c.-39C>T

Gene: SLC13A5 (solute carrier family 13 member 5; minus strand). Cytogenetic location: 17p13.1.
Variant type: single nucleotide variant.
Coding change: c.-39C>T on transcript NM_177550.4; 39 bases upstream of the start codon, C replaced by T.
Genome position (GRCh38, 1-based): chr17:6,713,372, G>A on the plus strand (C>T on the coding strand, the complement: SLC13A5 is on the minus strand). VCF-style: chr17-6713372-G-A. GRCh37 (hg19) VCF-style: chr17-6616691-G-A.
Identifiers: ClinVar variation 509394 (VCV000509394.3), dbSNP rs369429487, ClinGen allele CA8331916.
Genomic context (GRCh38, chr17:6,713,372, plus strand): 5'-CATAGCTCAGCGCCGAGGCCATCGCGCGGGAGGGAGACTGGCGGGCGAGACGAGTGAGGG[G>A]CAGCTAGAGGCGCCGCGGGCTTAAGAAGGGGCCACAGTCCCCGGGGATTGGGGAGGGGGC-3'